The following is an entry in ClinVar:

NM_002900.3(RBP3):c.412G>A (p.Val138Ile)

Gene: RBP3 (retinol binding protein 3; plus strand). Cytogenetic location: 10q11.22.
Variant type: single nucleotide variant.
Coding change: c.412G>A on transcript NM_002900.3 (MANE Select); coding-DNA position 412, G replaced by A.
Protein change: p.Val138Ile; replaces valine 138 with isoleucine.
Molecular consequence: missense variant.
Genome position (GRCh38, 1-based): chr10:47,348,896, G>A. VCF-style: chr10-47348896-G-A. GRCh37 (hg19) VCF-style: chr10-48390466-C-T.
Other names: short protein forms V138I.
Identifiers: ClinVar variation 999923 (VCV000999923.7), dbSNP rs202076554, ClinGen allele CA5487796.

ClinVar aggregate classification (germline): Conflicting classifications of pathogenicity. Review status: criteria provided, conflicting classifications (1 of 4 stars). 2 submissions from 2 submitters: Uncertain significance (1); Likely benign (1). Last evaluated 2022-01-12.

Allele frequency attached by ClinVar (database versions not stated): gnomAD 0.00003; TOPMed 0.00005; gnomAD exomes 0.00006; ExAC 0.00009; 1000 Genomes Project 0.00020; 1000 Genomes Project 30x 0.00031.

Submissions (2):

Labcorp Genetics (formerly Invitae), Labcorp
Classification: Uncertain significance. Last evaluated: 2022-01-12. Review status: criteria provided, single submitter. Criteria: Invitae Variant Classification Sherloc (09022015). Collection method: clinical testing. Allele origin: germline.
Comment: This sequence change replaces valine, which is neutral and non-polar, with isoleucine, which is neutral and non-polar, at codon 138 of the RBP3 protein (p.Val138Ile). This variant is present in population databases (rs202076554, gnomAD 0.05%). This variant has not been reported in the literature in individuals affected with RBP3-related conditions. ClinVar contains an entry for this variant (Variation ID: 999923). Algorithms developed to predict the effect of missense changes on protein structure and function output the following: SIFT: "Tolerated"; PolyPhen-2: "Benign"; Align-GVGD: "Class C0". The isoleucine amino acid residue is found in multiple mammalian species, which suggests that this missense change does not adversely affect protein function. In summary, the available evidence is currently insufficient to determine the role of this variant in disease. Therefore, it has been classified as a Variant of Uncertain Significance.

Blueprint Genetics
Classification: Likely benign. Last evaluated: 2020-09-19. Review status: criteria provided, single submitter. Criteria: ACMG Guidelines, 2015. Collection method: clinical testing. Allele origin: germline.